The following is an entry in ClinVar:

NM_017950.4(CCDC40):c.929T>A (p.Leu310His)

Gene: CCDC40 (coiled-coil domain 40 molecular ruler complex subunit; plus strand). Cytogenetic location: 17q25.3.
Variant type: single nucleotide variant.
Coding change: c.929T>A on transcript NM_017950.4 (MANE Select); coding-DNA position 929, T replaced by A.
Protein change: p.Leu310His; replaces leucine 310 with histidine.
Molecular consequence: missense variant.
Genome position (GRCh38, 1-based): chr17:80,049,979, T>A. VCF-style: chr17-80049979-T-A. GRCh37 (hg19) VCF-style: chr17-78023778-T-A.
Other names: c.929T>A, p.Leu310His (NM_001243342.2, NM_001330508.2); short protein forms L310H.
Identifiers: ClinVar variation 1418192 (VCV001418192.6), dbSNP rs1209777694, ClinGen allele CA401354891.

ClinVar aggregate classification (germline): Uncertain significance (1 of 4 stars; one submission).

Conditions:
Primary ciliary dyskinesia. Also called: Ciliary dyskinesia. Identifiers: Orphanet 244, MedGen C0008780, MONDO:0016575, HP:0012265.

Allele frequency attached by ClinVar (database versions not stated): gnomAD exomes 0.00002.
gnomAD v4.1: 10 of 1,614,056 alleles (0.00062%); highest among the groups gnomAD compares: South Asian, 0.0099%; no homozygotes.

Submission:

Labcorp Genetics (formerly Invitae), Labcorp
Classification: Uncertain significance for Primary ciliary dyskinesia. Last evaluated: 2022-06-13. Review status: criteria provided, single submitter. Criteria: Invitae Variant Classification Sherloc (09022015). Collection method: clinical testing. Allele origin: germline.
Comment: This variant is present in population databases (no rsID available, gnomAD 0.01%). In summary, the available evidence is currently insufficient to determine the role of this variant in disease. Therefore, it has been classified as a Variant of Uncertain Significance. Algorithms developed to predict the effect of missense changes on protein structure and function are either unavailable or do not agree on the potential impact of this missense change (SIFT: "Deleterious"; PolyPhen-2: "Probably Damaging"; Align-GVGD: "Class C0"). This variant has not been reported in the literature in individuals affected with CCDC40-related conditions. This sequence change replaces leucine, which is neutral and non-polar, with histidine, which is basic and polar, at codon 310 of the CCDC40 protein (p.Leu310His).